The following is an entry in ClinVar:

ClinVar aggregate classification (germline): Likely benign. Review status: criteria provided, multiple submitters, no conflicts (2 of 4 stars). 2 submissions from 2 submitters: Likely benign (2). Last evaluated 2025-02-16.

Allele frequency attached by ClinVar (database versions not stated): ESP Exome Variant Server 0.00008; 1000 Genomes Project 30x 0.00016; 1000 Genomes Project 0.00020; gnomAD exomes 0.00023; TOPMed 0.00024; gnomAD 0.00025; ExAC 0.00032.
gnomAD v4.1: 365 of 1,614,100 alleles (0.023%); highest among the groups gnomAD compares: Non-Finnish European, 0.029%; no homozygotes.

Submissions (2):

Laboratory of Genetics, Children's Clinical University Hospital Latvia
Classification: Likely benign. Last evaluated: 2025-02-16. Review status: criteria provided, single submitter. Criteria: ACMG Guidelines, 2015. Collection method: clinical testing. Allele origin: germline. Affected: yes.

CeGaT Center for Human Genetics Tuebingen
Classification: Likely benign. Last evaluated: 2024-02-01. Review status: criteria provided, single submitter. Criteria: CeGaT Center For Human Genetics Tuebingen Variant Classification Criteria Version 2. Collection method: clinical testing. Allele origin: germline. Affected: yes. Observed: 3 variant alleles.
Comment: ASH1L: BP4

NM_018489.3(ASH1L):c.2329C>T (p.Arg777Cys)

Gene: ASH1L (ASH1 like histone lysine methyltransferase; minus strand). Cytogenetic location: 1q22.
Variant type: single nucleotide variant.
Coding change: c.2329C>T on transcript NM_018489.3 (MANE Select); coding-DNA position 2329, C replaced by T.
Protein change: p.Arg777Cys; replaces arginine 777 with cysteine.
Molecular consequence: missense variant.
Genome position (GRCh38, 1-based): chr1:155,480,541, G>A on the plus strand (C>T on the coding strand, the complement: ASH1L is on the minus strand). VCF-style: chr1-155480541-G-A. GRCh37 (hg19) VCF-style: chr1-155450332-G-A.
Other names: c.2329C>T, p.Arg777Cys (NM_001366177.2); short protein forms R777C.
Identifiers: ClinVar variation 2639423 (VCV002639423.25), dbSNP rs150671158, ClinGen allele CA1147219.
Genomic context (GRCh38, chr1:155,480,541, plus strand): 5'-CACTATCAGCTAAGAGAGCAAGAGATGGAGCTGTGGATTTGCTCAACTTTGGCAATCGGC[G>A]TTTAAGGAAGTCATGATCTACAAATGAAGGGGGTCCAATGTTTTTCATAAACTTGGCTGG-3'
Protein context (NP_060959.2, residues 767-787): PSFVDHDFLK[Arg777Cys]RLPKLSKSTA